The following is an entry in ClinVar:

NM_000212.3(ITGB3):c.2014+5G>A

Gene: ITGB3 (integrin subunit beta 3; plus strand). Cytogenetic location: 17q21.32.
Variant type: single nucleotide variant.
Coding change: c.2014+5G>A on transcript NM_000212.3 (MANE Select); 5 bases into the intron after coding-DNA position 2014, G replaced by A.
Molecular consequence: intron variant.
Genome position (GRCh38, 1-based): chr17:47,300,583, G>A. VCF-style: chr17-47300583-G-A. GRCh37 (hg19) VCF-style: chr17-45377949-G-A.
Other names: NM_000212.3:c.2014+5G>A.
Identifiers: ClinVar variation 1691457 (VCV001691457.3), dbSNP rs2143133455, ClinGen allele CA915940701.

ClinVar aggregate classification (germline): Likely pathogenic (3 of 4 stars; one submission).

Conditions:
Glanzmann thrombasthenia. Also called: PLATELET GLYCOPROTEIN IIb-IIIa DEFICIENCY; Glanzmann's thrombasthenia; BLEEDING DISORDER, PLATELET-TYPE, 2; THROMBASTHENIA OF GLANZMANN AND NAEGELI; Thrombasthenia. Identifiers: Orphanet 849, MedGen C0040015, MONDO:0100326.

Allele frequency attached by ClinVar (database versions not stated): gnomAD exomes below 0.00001.
gnomAD v4.1: 1 of 1,608,810 alleles (0.000062%); highest among the groups gnomAD compares: Non-Finnish European, 0.000085%; no homozygotes.

Submission:

ClinGen Platelet Disorders Variant Curation Expert Panel, ClinGen
Classification: Likely pathogenic for Glanzmann thrombasthenia. Last evaluated: 2025-03-06. Review status: reviewed by expert panel. Criteria: ClinGen Platelet ACMG Specifications v2-1. Collection method: curation. Allele origin: germline. Inheritance: Autosomal recessive inheritance.
Comment: The NM_000212.3(ITGB3):c.2014+5G>A intronic variant is predicted to affect splicing by splicing predictor SpliceAI which gives a score of 0.9 for donor loss, predicting that the variant disrupts the donor splice site of intron 12 (PP3). The highest population minor allele frequency in gnomAD v4.1 is 8.507e-7 (1/1175540 alleles) in the European (non-Finnish) genetic ancestry group, which is lower than the ClinGen PD VCEP threshold (<0.0001; PM2_Supporting). At least one patient (GT54 in PMID: 25728920) with this variant displayed mucocutaneous bleeding and impaired aggregation with all agonists except ristocetin, which is highly specific for Glanzmann thrombasthenia. Additionally, αIIbβ3 surface expression was reduced to <5%, as measured by flow cytometry (PP4_strong). In summary this variant meets criteria to be classified as Likely Pathogenic for autosomal recessive Glanzmann Thrombasthenia based on the ACMG/AMP criteria applied, as specified by the ClinGen PD VCEP: PP3, PP4_strong, PM2_supporting. (VCEP specifications version 2.1).